The following is an entry in ClinVar:

ClinVar aggregate classification (germline): Uncertain significance (1 of 4 stars; one submission).

Conditions:
Inborn genetic diseases. Identifiers: MedGen C0950123, MeSH D030342.

Submission:

Ambry Genetics
Classification: Uncertain significance for Inborn genetic diseases. Last evaluated: 2024-12-28. Review status: criteria provided, single submitter. Criteria: Ambry Variant Classification Scheme 2023. Collection method: clinical testing. Allele origin: germline.
Comment: The p.E1882K variant (also known as c.5644G>A), located in coding exon 21 of the FANCM gene, results from a G to A substitution at nucleotide position 5644. The glutamic acid at codon 1882 is replaced by lysine, an amino acid with similar properties. This amino acid position is conserved. In addition, this alteration is predicted to be tolerated by in silico analysis. Based on the available evidence, the clinical significance of this variant remains unclear.

NM_020937.4(FANCM):c.5644G>A (p.Glu1882Lys)

Gene: FANCM (FA complementation group M; plus strand). Cytogenetic location: 14q21.2.
Variant type: single nucleotide variant.
Coding change: c.5644G>A on transcript NM_020937.4 (MANE Select); coding-DNA position 5644, G replaced by A.
Protein change: p.Glu1882Lys; replaces glutamic acid 1882 with lysine.
Molecular consequence: missense variant.
Genome position (GRCh38, 1-based): chr14:45,196,475, G>A. VCF-style: chr14-45196475-G-A. GRCh37 (hg19) VCF-style: chr14-45665678-G-A.
Other names: c.5566G>A, p.Glu1856Lys (NM_001308133.2); short protein forms E1856K, E1882K.
Identifiers: ClinVar variation 3848558 (VCV003848558.1).
Genomic context (GRCh38, chr14:45,196,475, plus strand): 5'-GTGGTGGAAAGGAGGTCTCAATCTGAGATGTTAAATAGTGTCAATAAGAACAAGTTCATT[G>A]AGCAGATCCAGCACCTGCAGAGTATGTTTGAAAGAATATGTGTGATTGTGGAAAAGGACA-3'
Protein context (NP_065988.1, residues 1872-1892): LNSVNKNKFI[Glu1882Lys]QIQHLQSMFE